The following is an entry in ClinVar:

ClinVar aggregate classification (germline): Uncertain significance. Review status: criteria provided, single submitter (1 of 4 stars). 2 submissions from 2 submitters: Uncertain significance (1). 1 of the submissions does not count toward it. Last evaluated 2022-06-20.

Conditions:
Primary ciliary dyskinesia. Also called: Ciliary dyskinesia. Identifiers: Orphanet 244, MedGen C0008780, MONDO:0016575, HP:0012265.
DNAH11-related disorder. Also called: DNAH11-related condition.

Allele frequency attached by ClinVar (database versions not stated): gnomAD 0.00002; TOPMed 0.00007; ExAC 0.00008; gnomAD exomes 0.00018.
gnomAD v4.1: 47 of 1,580,286 alleles (0.003%); highest among the groups gnomAD compares: Admixed American, 0.076%; no homozygotes.

Submissions (2):

Labcorp Genetics (formerly Invitae), Labcorp
Classification: Uncertain significance for Primary ciliary dyskinesia. Last evaluated: 2022-06-20. Review status: criteria provided, single submitter. Criteria: Invitae Variant Classification Sherloc (09022015). Collection method: clinical testing. Allele origin: germline.
Comment: This sequence change falls in intron 77 of the DNAH11 gene. It does not directly change the encoded amino acid sequence of the DNAH11 protein. It affects a nucleotide within the consensus splice site. This variant is present in population databases (rs781697241, gnomAD 0.1%). This variant has not been reported in the literature in individuals affected with DNAH11-related conditions. ClinVar contains an entry for this variant (Variation ID: 652479). Variants that disrupt the consensus splice site are a relatively common cause of aberrant splicing (PMID: 17576681, 9536098). Algorithms developed to predict the effect of sequence changes on RNA splicing suggest that this variant is not likely to affect RNA splicing. In summary, the available evidence is currently insufficient to determine the role of this variant in disease. Therefore, it has been classified as a Variant of Uncertain Significance.

PreventionGenetics, part of Exact Sciences
Classification: Likely benign for DNAH11-related condition. Last evaluated: 2020-02-19. Review status: no assertion criteria provided. Collection method: clinical testing. Allele origin: germline. Not counted in ClinVar's aggregate classification.
Comment: This variant is classified as likely benign based on ACMG/AMP sequence variant interpretation guidelines (Richards et al. 2015 PMID: 25741868, with internal and published modifications).

Literature cited by the submitters: PubMed 17576681 (cited by Labcorp Genetics (formerly Invitae), Labcorp); PubMed 9536098 (cited by Labcorp Genetics (formerly Invitae), Labcorp).

NM_001277115.2(DNAH11):c.12750+6G>A

Gene: DNAH11 (dynein axonemal heavy chain 11; plus strand). Cytogenetic location: 7p15.3.
Variant type: single nucleotide variant.
Coding change: c.12750+6G>A on transcript NM_001277115.2 (MANE Select); 6 bases into the intron after coding-DNA position 12750, G replaced by A.
Molecular consequence: intron variant.
Genome position (GRCh38, 1-based): chr7:21,892,673, G>A. VCF-style: chr7-21892673-G-A. GRCh37 (hg19) VCF-style: chr7-21932291-G-A.
Identifiers: ClinVar variation 652479 (VCV000652479.8), dbSNP rs781697241, ClinGen allele CA4183167.